The following is an entry in ClinVar:

ClinVar aggregate classification (germline): Likely pathogenic (1 of 4 stars; one submission).

Conditions:
Primary ciliary dyskinesia. Also called: Ciliary dyskinesia. Identifiers: Orphanet 244, MedGen C0008780, MONDO:0016575, HP:0012265.

Allele frequency attached by ClinVar (database versions not stated): gnomAD exomes below 0.00001; gnomAD 0.00001.
gnomAD v4.1: 1 of 1,614,182 alleles (0.000062%); highest among the groups gnomAD compares: African/African-American, 0.0013%; no homozygotes.

Submission:

Labcorp Genetics (formerly Invitae), Labcorp
Classification: Likely pathogenic for Primary ciliary dyskinesia. Last evaluated: 2021-05-19. Review status: criteria provided, single submitter. Criteria: Invitae Variant Classification Sherloc (09022015). Collection method: clinical testing. Allele origin: germline.
Comment: This sequence change affects a donor splice site in intron 10 of the DNAI2 gene. It is expected to disrupt RNA splicing. Variants that disrupt the donor or acceptor splice site typically lead to a loss of protein function (PMID: 16199547), and loss-of-function variants in DNAI2 are known to be pathogenic (PMID: 18950741, 23891469). In summary, the currently available evidence indicates that the variant is pathogenic, but additional data are needed to prove that conclusively. Therefore, this variant has been classified as Likely Pathogenic. Algorithms developed to predict the effect of sequence changes on RNA splicing suggest that this variant may disrupt the consensus splice site, but this prediction has not been confirmed by published transcriptional studies. This variant has not been reported in the literature in individuals with DNAI2-related conditions. This variant is not present in population databases (ExAC no frequency).

Literature cited by the submitters: PubMed 16199547; PubMed 18950741; PubMed 23891469.

NM_023036.6(DNAI2):c.1347+1G>T

Gene: DNAI2 (dynein axonemal intermediate chain 2; plus strand). Cytogenetic location: 17q25.1.
Variant type: single nucleotide variant.
Coding change: c.1347+1G>T on transcript NM_023036.6 (MANE Select); the canonical splice donor site of the intron after coding-DNA position 1347, G replaced by T.
Molecular consequence: splice donor variant.
Genome position (GRCh38, 1-based): chr17:74,309,389, G>T. VCF-style: chr17-74309389-G-T. GRCh37 (hg19) VCF-style: chr17-72305528-G-T.
Other names: c.1347+1G>T (NM_001353167.2, NM_001172810.3).
Identifiers: ClinVar variation 1500172 (VCV001500172.8), dbSNP rs1567875399, ClinGen allele CA400912480.